The following is an entry in ClinVar:

NM_007294.4(BRCA1):c.4987-6T>C

Gene: BRCA1 (BRCA1 DNA repair associated; minus strand). Cytogenetic location: 17q21.31.
Variant type: single nucleotide variant.
Coding change: c.4987-6T>C on transcript NM_007294.4 (MANE Select); 6 bases into the intron before coding-DNA position 4987, T replaced by C.
Molecular consequence: intron variant.
Genome position (GRCh38, 1-based): chr17:43,067,701, A>G on the plus strand (T>C on the coding strand, the complement: BRCA1 is on the minus strand). VCF-style: chr17-43067701-A-G. GRCh37 (hg19) VCF-style: chr17-41219718-A-G.
Other names: c.1534-6T>C (NM_001408458.1, NM_001408461.1, NM_001408464.1 and 7 more transcripts); c.4096-6T>C (NM_001407967.1); c.4606-6T>C (NM_001407959.1); c.4720-6T>C (NM_001407931.1, NM_001407932.1, NM_001407928.1 and 4 more transcripts); c.4843-6T>C (NM_001407747.1, NM_001407745.1, NM_001407737.1 and 21 more transcripts); c.4603-6T>C (NM_001407962.1, NM_001407960.1); c.1174-6T>C (NM_001408512.1); c.1297-6T>C (NM_001408510.1); and 71 more.
Identifiers: ClinVar variation 868493 (VCV000868493.3), dbSNP rs2052193063, ClinGen allele CA916080170.
Genomic context (GRCh38, chr17:43,067,701, plus strand): 5'-TAATTAGATTAGTTAAAGTGATGTGGTGTTTTCTGGCAAACTTGTACACGAGCATCTGAA[A>G]TTAAATCAAATATTCCATTATCATGAGTTACCTCTAGCACACAGCTCAGAATACTAGTTA-3'

Conditions:
Breast-ovarian cancer, familial, susceptibility to, 1 (BROVCA1). Also called: BRCA1 Hereditary Breast and Ovarian Cancer; OVARIAN CANCER, SUSCEPTIBILITY TO. Identifiers: Orphanet 145, MedGen C2676676, MONDO:0011450, OMIM 604370. Disease mechanism: loss of function.

Submission:

Brotman Baty Institute, University of Washington
No classification provided (evidence only). Condition: Breast-ovarian cancer, familial 1. Review status: no classification provided. Collection method: in vitro. Allele origin: not applicable. Functional consequence: functionally_abnormal.
ClinVar note: "not provided" was previously submitted as the classification for the variant. However, the classification appeared to be based only on an observation of functional data so it was converted to no classification on 2025-07-30.